The following is an entry in ClinVar:

ClinVar aggregate classification (germline): Conflicting classifications of pathogenicity. Review status: criteria provided, conflicting classifications (1 of 4 stars). 6 submissions from 6 submitters: Uncertain significance (4); Likely benign (2). Last evaluated 2026-05-01.

Conditions:
Inborn genetic diseases. Identifiers: MedGen C0950123, MeSH D030342.
Van Maldergem syndrome 2 (VMLDS2). Identifiers: Orphanet 314679, MedGen C3809875, MONDO:0014242, OMIM 615546.
Hennekam lymphangiectasia-lymphedema syndrome 2 (HKLLS2). Identifiers: Orphanet 2136, MedGen C4014939, MONDO:0014454, OMIM 616006.

Allele frequency attached by ClinVar (database versions not stated): gnomAD 0.00006 and 0.00007.
gnomAD v4.1: 190 of 1,613,962 alleles (0.012%); highest among the groups gnomAD compares: Middle Eastern, 0.016%; no homozygotes.

Submissions (6):

CeGaT Center for Human Genetics Tuebingen
Classification: Uncertain significance. Last evaluated: 2026-05-01. Review status: criteria provided, single submitter. Criteria: CeGaT Center For Human Genetics Tuebingen Variant Classification Criteria Version 2. Collection method: clinical testing. Allele origin: germline. Affected: yes. Observed: 3 variant alleles.
Comment: FAT4: PM2

Labcorp Genetics (formerly Invitae), Labcorp
Classification: Likely benign. Last evaluated: 2025-12-15. Review status: criteria provided, single submitter. Criteria: Invitae Variant Classification Sherloc (09022015). Collection method: clinical testing. Allele origin: germline.

Ambry Genetics
Classification: Likely benign for Inborn genetic diseases. Last evaluated: 2025-07-22. Review status: criteria provided, single submitter. Criteria: Ambry Variant Classification Scheme 2023. Collection method: clinical testing. Allele origin: germline.

Blueprint Genetics
Classification: Uncertain significance. Last evaluated: 2024-11-19. Review status: criteria provided, single submitter. Criteria: ACMG Guidelines, 2015. Collection method: clinical testing. Allele origin: germline.

Fulgent Genetics
Classification: Uncertain significance for Van Maldergem syndrome 2; Hennekam lymphangiectasia-lymphedema syndrome 2. Last evaluated: 2024-01-30. Review status: criteria provided, single submitter. Criteria: ACMG Guidelines, 2015. Collection method: clinical testing. Allele origin: germline.

GeneDx
Classification: Uncertain significance. Last evaluated: 2022-12-01. Review status: criteria provided, single submitter. Criteria: GeneDx Variant Classification Process June 2021. Collection method: clinical testing. Allele origin: germline. Affected: yes.
Comment: In silico analysis supports that this missense variant does not alter protein structure/function; Has not been previously published as pathogenic or benign to our knowledge

NM_001291303.3(FAT4):c.2273C>T (p.Ala758Val)

Gene: FAT4 (FAT atypical cadherin 4; plus strand). Cytogenetic location: 4q28.1.
Variant type: single nucleotide variant.
Coding change: c.2273C>T on transcript NM_001291303.3 (MANE Select); coding-DNA position 2273, C replaced by T.
Protein change: p.Ala758Val; replaces alanine 758 with valine.
Molecular consequence: missense variant.
Genome position (GRCh38, 1-based): chr4:125,318,684, C>T. VCF-style: chr4-125318684-C-T. GRCh37 (hg19) VCF-style: chr4-126239839-C-T.
Other names: c.2273C>T, p.Ala758Val (NM_001291285.3, NM_024582.6); c.2273C>T (NM_024582.5); short protein forms A758V.
Identifiers: ClinVar variation 1214983 (VCV001214983.39), dbSNP rs570502199, ClinGen allele CA3072137.